The following is an entry in ClinVar:

ClinVar aggregate classification (germline): Pathogenic/Likely pathogenic. Review status: criteria provided, multiple submitters, no conflicts (2 of 4 stars). 6 submissions from 6 submitters: Pathogenic (3); Likely pathogenic (2). 1 of the submissions does not count toward it. Last evaluated 2025-09-03.

Conditions:
ORC4-related disorders.
Meier-Gorlin syndrome 2 (MGORS2). Identifiers: Orphanet 2554, MedGen C3151097, MONDO:0013428, OMIM 613800.

Allele frequency attached by ClinVar (database versions not stated): TOPMed 0.00003; gnomAD exomes 0.00001; ExAC 0.00002; gnomAD 0.00004.

Submissions (6):

GeneDx
Classification: Pathogenic. Last evaluated: 2025-09-03. Review status: criteria provided, single submitter. Criteria: GeneDx Variant Classification Process June 2021. Collection method: clinical testing. Allele origin: germline. Affected: yes.
Comment: Published functional studies demonstrate a damaging effect: reduced growth rate in yeast with the equivalent variant (PMID: 21358631); Not observed at significant frequency in large population cohorts (gnomAD); In silico analysis supports that this missense variant has a deleterious effect on protein structure/function; This variant is associated with the following publications: (PMID: 23516378, 21358632, 21358631, 23662735, 11477602, 37059840, 28112645, 30696958, 29036220, 31818869)

Labcorp Genetics (formerly Invitae), Labcorp
Classification: Pathogenic. Last evaluated: 2025-07-24. Review status: criteria provided, single submitter. Criteria: Invitae Variant Classification Sherloc (09022015). Collection method: clinical testing. Allele origin: germline.
Comment: This sequence change replaces tyrosine, which is neutral and polar, with cysteine, which is neutral and slightly polar, at codon 174 of the ORC4 protein (p.Tyr174Cys). This variant is present in population databases (rs387906847, gnomAD 0.004%). This missense change has been observed in individual(s) with Meier-Gorlin syndrome (PMID: 21358632; internal data). In at least one individual the data is consistent with being in trans (on the opposite chromosome) from a pathogenic variant. ClinVar contains an entry for this variant (Variation ID: 30295). Invitae Evidence Modeling of protein sequence and biophysical properties (such as structural, functional, and spatial information, amino acid conservation, physicochemical variation, residue mobility, and thermodynamic stability) indicates that this missense variant is expected to disrupt ORC4 protein function with a positive predictive value of 80%. For these reasons, this variant has been classified as Pathogenic.

Blueprint Genetics
Classification: Pathogenic for ORC4-related disorders. Last evaluated: 2023-11-23. Review status: criteria provided, single submitter. Criteria: ACMG Guidelines, 2015. Collection method: clinical testing. Allele origin: germline. Affected: yes. Observed: 5 variant alleles.

SIB Swiss Institute of Bioinformatics
Classification: Likely pathogenic for Meier-Gorlin syndrome 2. Last evaluated: 2018-05-31. Review status: criteria provided, single submitter. Criteria: ACMG Guidelines, 2015. Collection method: curation. Allele origin: unknown.
Comment: This variant is interpreted as a Likely Pathogenic, for Meier-Gorlin syndrome 2, in Autosomal Recessive manner. The following ACMG Tag(s) were applied: PM2 => Absent from controls (or at extremely low frequency if recessive) in Exome Sequencing Project, 1000 Genomes Project, or Exome Aggregation Consortium. PP3 => Multiple lines of computational evidence support a deleterious effect on the gene or gene product. PP1-Moderate => PP1 upgraded in strength to Moderate (PMID:21358632,21358631). PM3 => For recessive disorders, detected in trans with a pathogenic variant (PMID:21358632,21358631).

Genetic Services Laboratory, University of Chicago
Classification: Likely pathogenic for Meier-Gorlin syndrome 2. Last evaluated: 2015-01-16. Review status: criteria provided, single submitter. Criteria: ACMG Guidelines, 2015. Collection method: clinical testing. Allele origin: germline. Affected: yes.

OMIM
Classification: Pathogenic for MEIER-GORLIN SYNDROME 2. Last evaluated: 2011-02-27. Review status: no assertion criteria provided. Collection method: literature only. Allele origin: germline. Not counted in ClinVar's aggregate classification.

Literature cited by the submitters: PubMed 21358632 (cited by 3 submitters); PubMed 21358631 (cited by SIB Swiss Institute of Bioinformatics and OMIM); PubMed 11477602 (cited by OMIM).

NM_181741.4(ORC4):c.521A>G (p.Tyr174Cys)

Gene: ORC4 (origin recognition complex subunit 4; minus strand). Cytogenetic location: 2q23.1.
Variant type: single nucleotide variant.
Coding change: c.521A>G on transcript NM_181741.4 (MANE Select); coding-DNA position 521, A replaced by G.
Protein change: p.Tyr174Cys; replaces tyrosine 174 with cysteine.
Molecular consequence: missense variant.
Genome position (GRCh38, 1-based): chr2:147,952,440, T>C on the plus strand (A>G on the coding strand, the complement: ORC4 is on the minus strand). VCF-style: chr2-147952440-T-C. GRCh37 (hg19) VCF-style: chr2-148710009-T-C.
Other names: NM_001190879.2(ORC4):c.521A>G(p.Tyr174Cys); NM_001190881.2(ORC4):c.269A>G(p.Tyr90Cys); NM_001190882.2(ORC4):c.299A>G(p.Tyr100Cys); NM_002552.4(ORC4):c.521A>G(p.Tyr174Cys); NM_181741.3(ORC4):c.521A>G(p.Tyr174Cys); NM_181742.3(ORC4):c.521A>G(p.Tyr174Cys); c.521A>G, p.Tyr174Cys (NM_001374270.1, NM_002552.5, NM_181742.5 and 1 more transcripts); c.269A>G, p.Tyr90Cys (NM_001374272.1, NM_001190881.3); and 1 more; short protein forms Y174C, Y100C, Y90C.
Identifiers: ClinVar variation 30295 (VCV000030295.14), dbSNP rs387906847, ClinGen allele CA129097.